The following is an entry in ClinVar:

NM_000284.4(PDHA1):c.1011_1040dup (p.Glu347_Asp348insIleAspValGluValArgLysGluIleGlu)

Gene: PDHA1 (pyruvate dehydrogenase E1 subunit alpha 1; plus strand). Cytogenetic location: Xp22.12.
Variant type: Duplication.
Coding change: c.1011_1040dup on transcript NM_000284.4 (MANE Select); coding-DNA positions 1011 to 1040, 30 bases duplicated (AATTGATGTGGAAGTGAGGAAGGAGATTGA).
Protein change: p.Glu347_Asp348insIleAspValGluValArgLysGluIleGlu.
Molecular consequence: inframe insertion.
Genome position (GRCh38, 1-based): chrX:19,359,491-19,359,520, AATTGATGTGGAAGTGAGGAAGGAGATTGA duplicated; duplicating any 30 consecutive bases within chrX:19,359,489-19,359,520 gives the same sequence; the c. name uses the placement nearest the transcript's 3' end. VCF-style (leftmost placement, unchanged base first): chrX-19359488-G-GGAAATTGATGTGGAAGTGAGGAAGGAGATT. GRCh37 (hg19) VCF-style: chrX-19377606-G-GGAAATTGATGTGGAAGTGAGGAAGGAGATT.
Other names: c.1125_1154dup, p.Glu385_Asp386insIleAspValGluValArgLysGluIleGlu (NM_001173454.2); c.1032_1061dup, p.Glu354_Asp355insIleAspValGluValArgLysGluIleGlu (NM_001173455.2); c.918_947dup, p.Glu316_Asp317insIleAspValGluValArgLysGluIleGlu (NM_001173456.2).
Identifiers: ClinVar variation 4070424 (VCV004070424.1).

ClinVar aggregate classification (germline): Likely pathogenic (0 of 4 stars; one submission).

Conditions:
Pyruvate dehydrogenase E1-alpha deficiency (PDHAD). Also called: ATAXIA, INTERMITTENT, WITH PYRUVATE DEHYDROGENASE DEFICIENCY; ATAXIA WITH LACTIC ACIDOSIS I; ATAXIA, INTERMITTENT, WITH ABNORMAL PYRUVATE METABOLISM; Ataxia, intermittent, with pyruvate dehydrogenase, or decarboxylase, deficiency. Identifiers: Orphanet 79243, MedGen C1839413, MONDO:0010717, OMIM 312170.

Submission:

PDHA1 Study Group, University Children’s Hospital, Paracelsus Medical University
Classification: Likely pathogenic for Pyruvate dehydrogenase E1-alpha deficiency. Last evaluated: 2024-10-15. Review status: no assertion criteria provided. Collection method: research. Allele origin: germline. Affected: yes. Observed: 1 variant allele.
Comment: The NM_000284.3:c.1011_1040dup (p.Ile338_Glu347dup) change is a deletion-insertion (delins) variant in PDHA1 gene. Last literature search: July 12, 2024. This variant is absent or extremely rare in population-based cohorts in the Genome Aggregation Database (gnomAD). Individuals harboring this variant presented with clinical features compatible with PDHA1-related PDHc deficiency. In summary, this variant meets criteria to be classified as likely pathogenic (LP) for PDHA1-related PDHc deficiency based on the ACMG/AMP criteria applied: PM1, PM2, PM4 (last assessment October 15, 2024).

Literature cited by the submitters: DOI 10.1093/brain/awaf430.